The following is an entry in ClinVar:

NM_153240.5(NPHP3):c.707_716del (p.Ala236fs)

Genes: NPHP3 (nephrocystin 3; minus strand), NPHP3-ACAD11 (NPHP3-ACAD11 readthrough (NMD candidate); minus strand). Cytogenetic location: 3q22.1.
Variant type: Deletion.
Coding change: c.707_716del on transcript NM_153240.5 (MANE Select); coding-DNA positions 707 to 716, 10 bases deleted (CCTTGGGAAG; older notation c.707_716delCCTTGGGAAG).
Protein change: p.Ala236fs; shifts the reading frame from alanine 236.
Molecular consequence: frameshift variant. On other transcripts: non-coding transcript variant (1).
Genome position (GRCh38, 1-based): chr3:132,716,864-132,716,873, CTTCCCAAGG deleted on the plus strand (CCTTGGGAAG on the coding strand, the reverse complement: NPHP3 is on the minus strand); deleting any 10 consecutive bases within chr3:132,716,864-132,716,875 gives the same sequence; the c. name uses the placement nearest the transcript's 3' end. VCF-style (leftmost placement, unchanged base first): chr3-132716863-ACTTCCCAAGG-A. GRCh37 (hg19) VCF-style: chr3-132435707-ACTTCCCAAGG-A.
Other names: short protein forms A236fs.
Identifiers: ClinVar variation 1455660 (VCV001455660.6), dbSNP rs1349623728, ClinGen allele CA546271291.

ClinVar aggregate classification (germline): Pathogenic (1 of 4 stars; one submission).

Conditions:
Nephronophthisis. Also called: Juvenile Nephronophthisis. Identifiers: Orphanet 655, MedGen C0687120, MONDO:0019005, HP:0000090.

Submission:

Labcorp Genetics (formerly Invitae), Labcorp
Classification: Pathogenic for Nephronophthisis. Last evaluated: 2024-10-24. Review status: criteria provided, single submitter. Criteria: Invitae Variant Classification Sherloc (09022015). Collection method: clinical testing. Allele origin: germline.
Comment: This sequence change creates a premature translational stop signal (p.Ala236Valfs*5) in the NPHP3 gene. It is expected to result in an absent or disrupted protein product. Loss-of-function variants in NPHP3 are known to be pathogenic (PMID: 18371931, 23559409). This variant is present in population databases (no rsID available, gnomAD 0.0009%). This variant has not been reported in the literature in individuals affected with NPHP3-related conditions. ClinVar contains an entry for this variant (Variation ID: 1455660). For these reasons, this variant has been classified as Pathogenic.

Literature cited by the submitters: PubMed 18371931; PubMed 23559409.